The following is an entry in ClinVar:

ClinVar aggregate classification (germline): Likely benign (0 of 4 stars; one submission).

Conditions:
TMEM132D-related disorder. Also called: TMEM132D-related condition.

Allele frequency attached by ClinVar (database versions not stated): ExAC 0.00002; gnomAD 0.00003; TOPMed 0.00003; ESP Exome Variant Server 0.00008.
gnomAD v4.1: 40 of 1,613,912 alleles (0.0025%); highest among the groups gnomAD compares: Admixed American, 0.0033%; no homozygotes.

Submission:

PreventionGenetics, part of Exact Sciences
Classification: Likely benign for TMEM132D-related condition. Last evaluated: 2019-03-14. Review status: no assertion criteria provided. Collection method: clinical testing. Allele origin: germline.
Comment: This variant is classified as likely benign based on ACMG/AMP sequence variant interpretation guidelines (Richards et al. 2015 PMID: 25741868, with internal and published modifications).

NM_133448.3(TMEM132D):c.1047G>A (p.Thr349=)

Gene: TMEM132D (transmembrane protein 132D; minus strand). Cytogenetic location: 12q24.33.
Variant type: single nucleotide variant.
Coding change: c.1047G>A on transcript NM_133448.3 (MANE Select); coding-DNA position 1047, G replaced by A.
Protein change: p.Thr349=; no amino-acid change (threonine 349 retained).
Molecular consequence: synonymous variant.
Genome position (GRCh38, 1-based): chr12:129,531,127, C>T on the plus strand (G>A on the coding strand, the complement: TMEM132D is on the minus strand). VCF-style: chr12-129531127-C-T. GRCh37 (hg19) VCF-style: chr12-130015672-C-T.
Identifiers: ClinVar variation 3058252 (VCV003058252.2), dbSNP rs148665372, ClinGen allele CA6876216.
Genomic context (GRCh38, chr12:129,531,127, plus strand): 5'-TGAGCCAGCTGCTTTCTTCTGACAAACGATGACAGCTGGTGCATACTTTCCAGTATAATC[C>T]GTGCGCTCCTTGACATCCCAAATGGAAGGGCTGCTGGCTCGCACGCCGATGATGTTCACG-3'
Protein context (NP_597705.2, residues 339-359): SPSIWDVKER[Thr349=]DYTGKYAPAV